The following is an entry in ClinVar:

NM_001367943.1(TCF7L2):c.816G>A (p.Thr272=)

Gene: TCF7L2 (transcription factor 7 like 2; plus strand). Cytogenetic location: 10q25.3.
Variant type: single nucleotide variant.
Coding change: c.816G>A on transcript NM_001367943.1 (MANE Select); coding-DNA position 816, G replaced by A.
Protein change: p.Thr272=; no amino-acid change (threonine 272 retained).
Molecular consequence: synonymous variant.
Genome position (GRCh38, 1-based): chr10:113,146,038, G>A. VCF-style: chr10-113146038-G-A. GRCh37 (hg19) VCF-style: chr10-114905797-G-A.
Other names: c.816G>A, p.Thr272= (NM_001146274.2, NM_001198531.2, NM_001363501.2); c.888G>A, p.Thr296= (NM_001146283.2); c.735G>A, p.Thr245= (NM_001146284.2, NM_001198527.2); c.747G>A, p.Thr249= (NM_001146285.2, NM_001146286.2, NM_001198525.2 and 4 more transcripts); c.645G>A, p.Thr215= (NM_001198530.2); c.387G>A, p.Thr129= (NM_001349870.2); c.267G>A, p.Thr89= (NM_001349871.1).
Identifiers: ClinVar variation 2640839 (VCV002640839.24), dbSNP rs367884505, ClinGen allele CA5693014.

ClinVar aggregate classification (germline): Likely benign (1 of 4 stars; one submission).

Allele frequency attached by ClinVar (database versions not stated): 1000 Genomes Project 30x 0.00031; 1000 Genomes Project 0.00040.
gnomAD v4.1: 149 of 1,456,834 alleles (0.01%); highest among the groups gnomAD compares: East Asian, 0.19%; 3 homozygotes.

Submission:

CeGaT Center for Human Genetics Tuebingen
Classification: Likely benign. Last evaluated: 2023-02-01. Review status: criteria provided, single submitter. Criteria: CeGaT Center For Human Genetics Tuebingen Variant Classification Criteria Version 2. Collection method: clinical testing. Allele origin: germline. Affected: yes. Observed: 1 variant allele.
Comment: TCF7L2: BP4, BP7